The following is an entry in ClinVar:

ClinVar aggregate classification (germline): Uncertain significance (1 of 4 stars; one submission).

Conditions:
Hereditary cancer-predisposing syndrome. Also called: Neoplastic Syndromes, Hereditary; Tumor predisposition; Hereditary Cancer Syndrome; Hereditary neoplastic syndrome. Identifiers: Orphanet 140162, MedGen C0027672, MeSH D009386, MONDO:0015356.

Submission:

Ambry Genetics
Classification: Uncertain significance for Hereditary cancer-predisposing syndrome. Last evaluated: 2025-12-31. Review status: criteria provided, single submitter. Criteria: Ambry Variant Classification Scheme 2023. Collection method: clinical testing. Allele origin: germline.
Comment: The c.2394_2398dupCGAGG variant, located in coding exon 16 of the CTNNA1 gene, results from a duplication of CGAGG at nucleotide position 2394, causing a translational frameshift with a predicted alternate stop codon (p.V800Afs*21). This alteration occurs at the 3' terminus of the gene, is not expected to trigger nonsense-mediated mRNAdecay, and impacts the last 11.8% of the protein. The exact functional effect of this alteration is unknown. Based on the available evidence, the clinical significance of this variant remains unclear.

NM_001903.5(CTNNA1):c.2394_2398dup (p.Val800fs)

Gene: CTNNA1 (catenin alpha 1; plus strand). Cytogenetic location: 5q31.2.
Variant type: Duplication.
Coding change: c.2394_2398dup on transcript NM_001903.5 (MANE Select); coding-DNA positions 2394 to 2398, 5 bases duplicated (CGAGG; older notation c.2394_2398dupCGAGG).
Protein change: p.Val800fs; shifts the reading frame from valine 800.
Molecular consequence: frameshift variant. On other transcripts: intron variant (1).
Genome position (GRCh38, 1-based): chr5:138,932,673-138,932,677, CGAGG duplicated. VCF-style (leftmost placement, unchanged base first): chr5-138932672-C-CCGAGG. GRCh37 (hg19) VCF-style: chr5-138268361-C-CCGAGG.
Other names: c.2394_2398dup, p.Val800fs (NM_001323984.2, NM_001323985.2, NM_001290307.3 and 2 more transcripts); c.2301_2305dup, p.Val769fs (NM_001323986.2); c.1284_1288dup, p.Val430fs (NM_001323987.1, NM_001323988.1, NM_001323989.1 and 16 more transcripts); c.2085_2089dup, p.Val697fs (NM_001290309.3); c.2025_2029dup, p.Val677fs (NM_001290310.3); c.945_949dup, p.Val317fs (NM_001324006.1, NM_001324007.1, NM_001324008.1 and 2 more transcripts); c.1191_1195dup, p.Val399fs (NM_001324011.1); c.1041_1045dup, p.Val349fs (NM_001324012.1, NM_001324013.1); and 1 more; short protein forms V399fs, V769fs, V430fs, V800fs, V317fs, V677fs, V697fs, V349fs.
Identifiers: ClinVar variation 4841646 (VCV004841646.1).